The following is an entry in ClinVar:

ClinVar aggregate classification (germline): Likely pathogenic. Review status: criteria provided, single submitter (1 of 4 stars). 4 submissions from 4 submitters: Likely pathogenic (1). 3 of the submissions do not count toward it. Last evaluated 2023-05-11.

Conditions:
Neuronopathy, distal hereditary motor, autosomal dominant. Also called: Autosomal dominant distal hereditary motor neuropathy. Identifiers: Orphanet 140465, MedGen C5548212, MONDO:0015362.
Autosomal dominant childhood-onset proximal spinal muscular atrophy with contractures (SMALED2A). Also called: Spinal muscular atrophy, lower extremity-predominant, 2A, autosomal dominant; SPINAL MUSCULAR ATROPHY, LOWER EXTREMITY-PREDOMINANT, 2A, CHILDHOOD ONSET, AUTOSOMAL DOMINANT. Identifiers: Orphanet 363447, Orphanet 363454, MedGen C4747715, MONDO:0014121, OMIM 615290.

Submissions (4):

Labcorp Genetics (formerly Invitae), Labcorp
Classification: Likely pathogenic for Autosomal dominant childhood-onset proximal spinal muscular atrophy with contractures. Last evaluated: 2023-05-11. Review status: criteria provided, single submitter. Criteria: Invitae Variant Classification Sherloc (09022015). Collection method: clinical testing. Allele origin: germline.
Comment: ClinVar contains an entry for this variant (Variation ID: 637065). This missense change has been observed in individual(s) with BICD2-related conditions and/or spinal muscular atrophy (PMID: 23664120; Invitae). In at least one individual the variant was observed to be de novo. This variant is not present in population databases (gnomAD no frequency). This sequence change replaces isoleucine, which is neutral and non-polar, with phenylalanine, which is neutral and non-polar, at codon 189 of the BICD2 protein (p.Ile189Phe). In summary, the currently available evidence indicates that the variant is pathogenic, but additional data are needed to prove that conclusively. Therefore, this variant has been classified as Likely Pathogenic. Experimental studies have shown that this missense change affects BICD2 function (PMID: 28883039). Advanced modeling of protein sequence and biophysical properties (such as structural, functional, and spatial information, amino acid conservation, physicochemical variation, residue mobility, and thermodynamic stability) has been performed at Invitae for this missense variant, however the output from this modeling did not meet the statistical confidence thresholds required to predict the impact of this variant on BICD2 protein function.

Clinical Genetics DNA and cytogenetics Diagnostics Lab, Erasmus MC, Erasmus Medical Center
Classification: Likely pathogenic. Review status: no assertion criteria provided. Collection method: clinical testing. Allele origin: germline. Affected: yes. Study: VKGL Data-share Consensus. Not counted in ClinVar's aggregate classification.

Inherited Neuropathy Consortium
Classification: Pathogenic for Autosomal dominant distal hereditary motor neuropathy. Review status: no assertion criteria provided. Collection method: literature only. Allele origin: germline. Affected: yes. Not counted in ClinVar's aggregate classification.

Joint Genome Diagnostic Labs from Nijmegen and Maastricht, Radboudumc and MUMC+
Classification: Pathogenic. Review status: no assertion criteria provided. Collection method: clinical testing. Allele origin: germline. Affected: yes. Study: VKGL Data-share Consensus. Not counted in ClinVar's aggregate classification.

Literature cited by the submitters: PubMed 23664120 (cited by Labcorp Genetics (formerly Invitae), Labcorp and Inherited Neuropathy Consortium); PubMed 28883039 (cited by Labcorp Genetics (formerly Invitae), Labcorp).

NM_001003800.2(BICD2):c.565A>T (p.Ile189Phe)

Gene: BICD2 (BICD cargo adaptor 2; minus strand). Cytogenetic location: 9q22.31.
Variant type: single nucleotide variant.
Coding change: c.565A>T on transcript NM_001003800.2 (MANE Select); coding-DNA position 565, A replaced by T.
Protein change: p.Ile189Phe; replaces isoleucine 189 with phenylalanine.
Molecular consequence: missense variant.
Genome position (GRCh38, 1-based): chr9:92,722,697, T>A on the plus strand (A>T on the coding strand, the complement: BICD2 is on the minus strand). VCF-style: chr9-92722697-T-A. GRCh37 (hg19) VCF-style: chr9-95484979-T-A.
Other names: c.565A>T, p.Ile189Phe (NM_015250.4); short protein forms I189F.
Identifiers: ClinVar variation 637065 (VCV000637065.7), dbSNP rs1587671674, ClinGen allele CA374045471.